The following is an entry in ClinVar:

ClinVar aggregate classification (germline): Benign/Likely benign. Review status: criteria provided, multiple submitters, no conflicts (2 of 4 stars). 6 submissions from 6 submitters: Benign (1); Likely benign (5). Last evaluated 2026-06-01.

Conditions:
Hereditary spastic paraplegia 54. Also called: Spastic paraplegia 54, autosomal recessive. Identifiers: Orphanet 320380, MedGen C3539495, MONDO:0014018, OMIM 615033.
Inborn genetic diseases. Identifiers: MedGen C0950123, MeSH D030342.
Hereditary spastic paraplegia. Also called: Familial spastic paraparesis. Identifiers: Orphanet 685, MedGen C0037773, MONDO:0019064. Disease mechanism: loss of function.

Allele frequency attached by ClinVar (database versions not stated): ESP Exome Variant Server 0.00138; ExAC 0.00142; 1000 Genomes Project 30x 0.00312; 1000 Genomes Project 0.00319; gnomAD 0.00337 and 0.00358; TOPMed 0.00384.
gnomAD v4.1: 1,334 of 1,577,418 alleles (0.085%); highest among the groups gnomAD compares: African/African-American, 0.9%; 4 homozygotes.

Submissions (6):

CeGaT Center for Human Genetics Tuebingen
Classification: Likely benign. Last evaluated: 2026-06-01. Review status: criteria provided, single submitter. Criteria: CeGaT Center For Human Genetics Tuebingen Variant Classification Criteria Version 2. Collection method: clinical testing. Allele origin: germline. Affected: yes. Observed: 5 variant alleles.
Comment: DDHD2: BP4, BS2

Blueprint Genetics
Classification: Likely benign. Last evaluated: 2024-11-22. Review status: criteria provided, single submitter. Criteria: ACMG Guidelines, 2015. Collection method: clinical testing. Allele origin: germline.

Genome Diagnostics Laboratory, The Hospital for Sick Children
Classification: Likely benign for Hereditary spastic paraplegia. Last evaluated: 2021-10-05. Review status: criteria provided, single submitter. Criteria: ACMG Guidelines, 2015. Collection method: clinical testing. Allele origin: germline. Affected: yes.

Ambry Genetics
Classification: Likely benign for Inborn genetic diseases. Last evaluated: 2021-07-09. Review status: criteria provided, single submitter. Criteria: Ambry Variant Classification Scheme 2023. Collection method: clinical testing. Allele origin: germline.

Labcorp Genetics (formerly Invitae), Labcorp
Classification: Benign for Spastic paraplegia 54, autosomal recessive. Last evaluated: 2019-12-31. Review status: criteria provided, single submitter. Criteria: Invitae Variant Classification Sherloc (09022015). Collection method: clinical testing. Allele origin: germline.

Breakthrough Genomics
Classification: Likely benign. Review status: criteria provided, single submitter. Criteria: ACMG Guidelines, 2015. Collection method: not provided. Allele origin: germline. Inheritance: Autosomal recessive inheritance. Affected: yes.

NM_015214.3(DDHD2):c.227G>A (p.Gly76Asp)

Gene: DDHD2 (DDHD domain containing 2; plus strand). Cytogenetic location: 8p11.23.
Variant type: single nucleotide variant.
Coding change: c.227G>A on transcript NM_015214.3 (MANE Select); coding-DNA position 227, G replaced by A.
Protein change: p.Gly76Asp; replaces glycine 76 with aspartic acid.
Molecular consequence: missense variant. On other transcripts: non-coding transcript variant (2).
Genome position (GRCh38, 1-based): chr8:38,234,400, G>A. VCF-style: chr8-38234400-G-A. GRCh37 (hg19) VCF-style: chr8-38091918-G-A.
Other names: c.227G>A, p.Gly76Asp (NM_001164232.2, NM_001164234.2, NM_001362911.2 and 3 more transcripts); short protein forms G76D.
Identifiers: ClinVar variation 701940 (VCV000701940.35), dbSNP rs150361106, ClinGen allele CA4715920.